The following is an entry in ClinVar:

ClinVar aggregate classification (germline): Uncertain significance (0 of 4 stars; one submission).

Conditions:
TBX18-related disorder. Also called: TBX18-related condition.

Submission:

PreventionGenetics, part of Exact Sciences
Classification: Uncertain significance for TBX18-related condition. Last evaluated: 2023-10-26. Review status: no assertion criteria provided. Collection method: clinical testing. Allele origin: germline.
Comment: The TBX18 c.1008G>A variant is predicted to result in the amino acid substitution p.Met336Ile. To our knowledge, this variant has not been reported in the literature or in a large population database, indicating this variant is rare. At this time, the clinical significance of this variant is uncertain due to the absence of conclusive functional and genetic evidence.

NM_001080508.3(TBX18):c.1008G>A (p.Met336Ile)

Gene: TBX18 (T-box transcription factor 18; minus strand). Cytogenetic location: 6q14.3.
Variant type: single nucleotide variant.
Coding change: c.1008G>A on transcript NM_001080508.3 (MANE Select); coding-DNA position 1008, G replaced by A.
Protein change: p.Met336Ile; replaces methionine 336 with isoleucine.
Molecular consequence: missense variant.
Genome position (GRCh38, 1-based): chr6:84,738,588, C>T on the plus strand (G>A on the coding strand, the complement: TBX18 is on the minus strand). VCF-style: chr6-84738588-C-T. GRCh37 (hg19) VCF-style: chr6-85448306-C-T.
Other names: short protein forms M336I.
Identifiers: ClinVar variation 3061212 (VCV003061212.2), dbSNP rs2481839601, ClinGen allele CA364895787.
Genomic context (GRCh38, chr6:84,738,588, plus strand): 5'-GGTCAGAGTCCGTAGTGATGGTCGCCAGAATGCATATGATTCCACCAAGGCTTCCAAACC[C>T]ATTCTAAATGGAAAGGGTCAGGATAGGGGTGGACAAAAGAAGTCTAGTTAGGAGCATTTG-3'
Protein context (NP_001073977.1, residues 326-346): KGFRDSGRNR[Met336Ile]GLEALVESYA